The following is an entry in ClinVar:

NM_018474.6(KIZ):c.1447-1G>A

Genes: KIZ (kizuna centrosomal protein; plus strand), KIZ-AS1 (KIZ antisense RNA 1; minus strand). Cytogenetic location: 20p11.23.
Variant type: single nucleotide variant.
Coding change: c.1447-1G>A on transcript NM_018474.6 (MANE Select); the canonical splice acceptor site of the intron before coding-DNA position 1447, G replaced by A.
Molecular consequence: splice acceptor variant.
Genome position (GRCh38, 1-based): chr20:21,214,534, G>A. VCF-style: chr20-21214534-G-A. GRCh37 (hg19) VCF-style: chr20-21195172-G-A.
Other names: c.1300-1G>A (NM_001276389.2); c.1105-1G>A (NM_001352436.2); c.1393-1G>A (NM_001352434.2); c.1138-1G>A (NM_001163022.3); c.1084-1G>A (NM_001352435.2); c.1048-1G>A (NM_001163023.3).
Identifiers: ClinVar variation 2033484 (VCV002033484.4), dbSNP rs2514836751, ClinGen allele CA408490565.

ClinVar aggregate classification (germline): Likely pathogenic (1 of 4 stars; one submission).

Submission:

Labcorp Genetics (formerly Invitae), Labcorp
Classification: Likely pathogenic. Last evaluated: 2023-07-03. Review status: criteria provided, single submitter. Criteria: Invitae Variant Classification Sherloc (09022015). Collection method: clinical testing. Allele origin: germline.
Comment: In summary, the currently available evidence indicates that the variant is pathogenic, but additional data are needed to prove that conclusively. Therefore, this variant has been classified as Likely Pathogenic. Algorithms developed to predict the effect of sequence changes on RNA splicing suggest that this variant may disrupt the consensus splice site. ClinVar contains an entry for this variant (Variation ID: 2033484). This variant has not been reported in the literature in individuals affected with KIZ-related conditions. This variant is not present in population databases (gnomAD no frequency). This sequence change affects an acceptor splice site in intron 7 of the KIZ gene. It is expected to disrupt RNA splicing. Variants that disrupt the donor or acceptor splice site typically lead to a loss of protein function (PMID: 16199547), and loss-of-function variants in KIZ are known to be pathogenic (PMID: 24680887, 29057815).

Literature cited by the submitters: PubMed 16199547; PubMed 24680887; PubMed 29057815.